The following is an entry in ClinVar:

ClinVar aggregate classification (germline): Uncertain significance (1 of 4 stars; one submission).

Allele frequency attached by ClinVar (database versions not stated): gnomAD exomes 0.00001; ExAC 0.00002.
gnomAD v4.1: 9 of 1,614,216 alleles (0.00056%); highest among the groups gnomAD compares: East Asian, 0.013%; no homozygotes.

Submission:

Labcorp Genetics (formerly Invitae), Labcorp
Classification: Uncertain significance. Last evaluated: 2026-01-15. Review status: criteria provided, single submitter. Criteria: Invitae Variant Classification Sherloc (09022015). Collection method: clinical testing. Allele origin: germline.
Comment: This sequence change replaces proline, which is neutral and non-polar, with serine, which is neutral and polar, at codon 191 of the VPS33B protein (p.Pro191Ser). This variant is present in population databases (rs775778438, gnomAD 0.02%). This variant has not been reported in the literature in individuals affected with VPS33B-related conditions. ClinVar contains an entry for this variant (Variation ID: 2176521). Invitae Evidence Modeling of protein sequence and biophysical properties (such as structural, functional, and spatial information, amino acid conservation, physicochemical variation, residue mobility, and thermodynamic stability) indicates that this missense variant is not expected to disrupt VPS33B protein function with a negative predictive value of 80%. In summary, the available evidence is currently insufficient to determine the role of this variant in disease. Therefore, it has been classified as a Variant of Uncertain Significance.

NM_018668.5(VPS33B):c.571C>T (p.Pro191Ser)

Gene: VPS33B (VPS33B late endosome and lysosome associated; minus strand). Cytogenetic location: 15q26.1.
Variant type: single nucleotide variant.
Coding change: c.571C>T on transcript NM_018668.5 (MANE Select); coding-DNA position 571, C replaced by T.
Protein change: p.Pro191Ser; replaces proline 191 with serine.
Molecular consequence: missense variant.
Genome position (GRCh38, 1-based): chr15:91,007,501, G>A on the plus strand (C>T on the coding strand, the complement: VPS33B is on the minus strand). VCF-style: chr15-91007501-G-A. GRCh37 (hg19) VCF-style: chr15-91550731-G-A.
Other names: c.490C>T, p.Pro164Ser (NM_001289148.1); c.298C>T, p.Pro100Ser (NM_001289149.1); short protein forms P164S, P191S, P100S.
Identifiers: ClinVar variation 2176521 (VCV002176521.4), dbSNP rs775778438, ClinGen allele CA7745000.